The following is an entry in ClinVar:

ClinVar aggregate classification (germline): Uncertain significance (1 of 4 stars; one submission).

Allele frequency attached by ClinVar (database versions not stated): gnomAD exomes below 0.00001; gnomAD 0.00001; TOPMed 0.00001.
gnomAD v4.1: 2 of 1,613,698 alleles (0.00012%); highest among the groups gnomAD compares: Admixed American, 0.0017%; no homozygotes.

Submission:

Labcorp Genetics (formerly Invitae), Labcorp
Classification: Uncertain significance. Last evaluated: 2022-07-26. Review status: criteria provided, single submitter. Criteria: Invitae Variant Classification Sherloc (09022015). Collection method: clinical testing. Allele origin: germline.
Comment: In summary, the available evidence is currently insufficient to determine the role of this variant in disease. Therefore, it has been classified as a Variant of Uncertain Significance. Algorithms developed to predict the effect of missense changes on protein structure and function (SIFT, PolyPhen-2, Align-GVGD) all suggest that this variant is likely to be tolerated. ClinVar contains an entry for this variant (Variation ID: 961756). This variant has not been reported in the literature in individuals affected with RP1-related conditions. This variant is present in population databases (no rsID available, gnomAD 0.003%). This sequence change replaces cysteine, which is neutral and slightly polar, with arginine, which is basic and polar, at codon 987 of the RP1 protein (p.Cys987Arg).

NM_006269.2(RP1):c.2959T>C (p.Cys987Arg)

Gene: RP1 (RP1 axonemal microtubule associated; plus strand). Cytogenetic location: 8q12.1.
Variant type: single nucleotide variant.
Coding change: c.2959T>C on transcript NM_006269.2 (MANE Select); coding-DNA position 2959, T replaced by C.
Protein change: p.Cys987Arg; replaces cysteine 987 with arginine.
Molecular consequence: missense variant. On other transcripts: intron variant (1).
Genome position (GRCh38, 1-based): chr8:54,626,841, T>C. VCF-style: chr8-54626841-T-C. GRCh37 (hg19) VCF-style: chr8-55539401-T-C.
Other names: c.787+4553T>C (NM_001375654.1); short protein forms C987R.
Identifiers: ClinVar variation 961756 (VCV000961756.9), dbSNP rs1265593864, ClinGen allele CA370994996.